The following is an entry in ClinVar:

ClinVar aggregate classification (germline): Uncertain significance. Review status: criteria provided, multiple submitters, no conflicts (2 of 4 stars). 2 submissions from 2 submitters: Uncertain significance (2). Last evaluated 2026-04-17.

Conditions:
Tyrosinase-positive oculocutaneous albinism (OCA2). Also called: Albinism, oculocutaneous, type II; ALBINISM II; Oculocutaneous albinism type 2. Identifiers: Orphanet 79432, MedGen C0268495, MONDO:0008746, OMIM 203200.

Submissions (2):

Myriad Genetics, Inc.
Classification: Uncertain significance for Tyrosinase-positive oculocutaneous albinism. Last evaluated: 2026-04-17. Review status: criteria provided, single submitter. Criteria: Myriad Autosomal Dominant, Autosomal Recessive and X-Linked Classification Criteria (2023). Collection method: clinical testing. Allele origin: unknown.
Comment: NM_000275.2(OCA2):c.1870G>C(A624P) is a missense variant classified as a variant of uncertain significance in the context of oculocutaneous albinism, OCA2-related. A624P has been observed in a case with relevant disease (PMID: 30835348). Relevant functional assessments of this variant are not available in the literature. A624P has not been observed in referenced population frequency databases. In summary, there is insufficient evidence to classify NM_000275.2(OCA2):c.1870G>C(A624P) as pathogenic or benign. Please note: this variant was assessed in the context of healthy population screening.

Juno Genomics, Hangzhou Juno Genomics, Inc
Classification: Uncertain significance for Tyrosinase-positive oculocutaneous albinism. Review status: criteria provided, single submitter. Criteria: ACMG Guidelines, 2015. Collection method: clinical testing. Allele origin: germline. Affected: yes.
Comment: Absent from controls (or at extremely low frequency if recessive) in Genome Aggregation Database, Exome Sequencing Project, 1000 Genomes Project, or Exome Aggregation Consortium.;For recessive disorders, detected in trans with a pathogenic variant.;Patient's phenotype or family history is highly specific for a disease with a single genetic etiology.

Literature cited by the submitters: PubMed 30835348 (cited by Myriad Genetics, Inc.).

NM_000275.3(OCA2):c.1870G>C (p.Ala624Pro)

Gene: OCA2 (OCA2 melanosomal transmembrane protein; minus strand). Cytogenetic location: 15q13.1.
Variant type: single nucleotide variant.
Coding change: c.1870G>C on transcript NM_000275.3 (MANE Select); coding-DNA position 1870, G replaced by C.
Protein change: p.Ala624Pro; replaces alanine 624 with proline.
Molecular consequence: missense variant.
Genome position (GRCh38, 1-based): chr15:27,951,865, C>G on the plus strand (G>C on the coding strand, the complement: OCA2 is on the minus strand). VCF-style: chr15-27951865-C-G. GRCh37 (hg19) VCF-style: chr15-28197011-C-G.
Other names: c.1798G>C, p.Ala600Pro (NM_001300984.2); short protein forms A600P, A624P.
Identifiers: ClinVar variation 3392507 (VCV003392507.3).
Genomic context (GRCh38, chr15:27,951,865, plus strand): 5'-GGACAAACGAATTGAGGAAAAACATGAAGATAACAAATCCCAACACTGTCAGGCATTTGG[C>G]GAGCAGAATCCCGTCAGATATCCTATGCTGTAAGAGAGAAACCACAGCTCATTTACTCTG-3'
Protein context (NP_000266.2, residues 614-634): KHRISDGILL[Ala624Pro]KCLTVLGFVI